The following is an entry in ClinVar:

NM_001375524.1(TRRAP):c.8498G>A (p.Arg2833Gln)

Gene: TRRAP (transformation/transcription domain associated protein; plus strand). Cytogenetic location: 7q22.1.
Variant type: single nucleotide variant.
Coding change: c.8498G>A on transcript NM_001375524.1 (MANE Select); coding-DNA position 8498, G replaced by A.
Protein change: p.Arg2833Gln; replaces arginine 2833 with glutamine.
Molecular consequence: missense variant.
Genome position (GRCh38, 1-based): chr7:98,978,323, G>A. VCF-style: chr7-98978323-G-A. GRCh37 (hg19) VCF-style: chr7-98575946-G-A.
Other names: c.8477G>A, p.Arg2826Gln (NM_001244580.2); c.8423G>A, p.Arg2808Gln (NM_003496.4); short protein forms R2808Q, R2833Q, R2826Q.
Identifiers: ClinVar variation 2754920 (VCV002754920.5), dbSNP rs754323536, ClinGen allele CA4361455.

ClinVar aggregate classification (germline): Uncertain significance. Review status: criteria provided, multiple submitters, no conflicts (2 of 4 stars). 2 submissions from 2 submitters: Uncertain significance (2). Last evaluated 2025-07-18.

Conditions:
Hearing loss, autosomal dominant 75. Also called: DEAFNESS, AUTOSOMAL DOMINANT 75. Identifiers: MedGen C5394059, MONDO:0032911, OMIM 618778.
Developmental delay with or without dysmorphic facies and autism. Identifiers: MedGen C5193106, MONDO:0032760, OMIM 618454.

Allele frequency attached by ClinVar (database versions not stated): TOPMed below 0.00001; ExAC 0.00001; gnomAD 0.00001; gnomAD exomes 0.00002.

Submissions (2):

Labcorp Genetics (formerly Invitae), Labcorp
Classification: Uncertain significance. Last evaluated: 2025-07-18. Review status: criteria provided, single submitter. Criteria: Invitae Variant Classification Sherloc (09022015). Collection method: clinical testing. Allele origin: germline.
Comment: This sequence change replaces arginine, which is basic and polar, with glutamine, which is neutral and polar, at codon 2808 of the TRRAP protein (p.Arg2808Gln). This variant also falls at the last nucleotide of exon 55, which is part of the consensus splice site for this exon. This variant is present in population databases (rs754323536, gnomAD 0.01%). This variant has not been reported in the literature in individuals affected with TRRAP-related conditions. This missense change has been observed in at least one individual who was not affected with TRRAP-related conditions (internal data). ClinVar contains an entry for this variant (Variation ID: 2754920). An algorithm developed to predict the effect of missense changes on protein structure and function (PolyPhen-2) suggests that this variant is likely to be disruptive. Variants that disrupt the consensus splice site are a relatively common cause of aberrant splicing (PMID: 17576681, 9536098). In summary, the available evidence is currently insufficient to determine the role of this variant in disease. Therefore, it has been classified as a Variant of Uncertain Significance.

Juno Genomics, Hangzhou Juno Genomics, Inc
Classification: Uncertain significance for Hearing loss, autosomal dominant 75; Developmental delay with or without dysmorphic facies and autism. Review status: criteria provided, single submitter. Criteria: ACMG Guidelines, 2015. Collection method: clinical testing. Allele origin: germline.
Comment: Missense variant in a gene that has a low rate of benign missense variation.;Multiple lines of computational evidence support a deleterious effect on the gene or gene product.;Absent from controls (or at extremely low frequency if recessive) in Genome Aggregation Database.

Literature cited by the submitters: PubMed 17576681 (cited by Labcorp Genetics (formerly Invitae), Labcorp); PubMed 9536098 (cited by Labcorp Genetics (formerly Invitae), Labcorp).